The following is an entry in ClinVar:

Conditions:
Breast-ovarian cancer, familial, susceptibility to, 1 (BROVCA1). Also called: BRCA1 Hereditary Breast and Ovarian Cancer; OVARIAN CANCER, SUSCEPTIBILITY TO. Identifiers: Orphanet 145, MedGen C2676676, MONDO:0011450, OMIM 604370. Disease mechanism: loss of function.

Submission:

Brotman Baty Institute, University of Washington
No classification provided (evidence only). Condition: Breast-ovarian cancer, familial 1. Review status: no classification provided. Collection method: in vitro. Allele origin: not applicable. Functional consequence: functionally_normal.
ClinVar note: "not provided" was previously submitted as the classification for the variant. However, the classification appeared to be based only on an observation of functional data so it was converted to no classification on 2025-07-30.

NM_007294.4(BRCA1):c.5332+22A>C

Gene: BRCA1 (BRCA1 DNA repair associated; minus strand). Cytogenetic location: 17q21.31.
Variant type: single nucleotide variant.
Coding change: c.5332+22A>C on transcript NM_007294.4 (MANE Select); 22 bases into the intron after coding-DNA position 5332, A replaced by C.
Molecular consequence: intron variant.
Genome position (GRCh38, 1-based): chr17:43,051,041, T>G on the plus strand (A>C on the coding strand, the complement: BRCA1 is on the minus strand). VCF-style: chr17-43051041-T-G. GRCh37 (hg19) VCF-style: chr17-41203058-T-G.
Other names: c.1879+22A>C (NM_001408458.1, NM_001408461.1, NM_001408464.1 and 7 more transcripts); c.4441+22A>C (NM_001407967.1); c.4951+22A>C (NM_001407959.1); c.5065+22A>C (NM_001407931.1, NM_001407932.1, NM_001407928.1 and 4 more transcripts); c.5188+22A>C (NM_001407747.1, NM_001407745.1, NM_001407737.1 and 21 more transcripts); c.4948+22A>C (NM_001407962.1, NM_001407960.1); c.1519+22A>C (NM_001408512.1); c.1642+22A>C (NM_001408510.1); and 74 more.
Identifiers: ClinVar variation 868011 (VCV000868011.3), dbSNP rs200407477, ClinGen allele CA916080953.
Genomic context (GRCh38, chr17:43,051,041, plus strand): 5'-CATCGTGGGATCTTGCTTATAATACTCCACTATGTAAGACAAAGGCTGGTGCTGGAACTC[T>G]GGGGTTCTCCCAGGCTCTTACCTGTGGGCATGTTGGTGAAGGGCCCATAGCAACAGATTT-3'